The following is an entry in ClinVar:

ClinVar aggregate classification (germline): Uncertain significance (1 of 4 stars; one submission).

Conditions:
PLXNA4-related disorder. Also called: PLXNA4-related condition.

gnomAD v4.1: 2 of 1,598,902 alleles (0.00013%); highest among the groups gnomAD compares: Non-Finnish European, 0.00017%; no homozygotes.

Submission:

PreventionGenetics, part of Exact Sciences
Classification: Uncertain significance for PLXNA4-related condition. Last evaluated: 2025-02-05. Review status: criteria provided, single submitter. Criteria: ACMG Guidelines, 2015. Collection method: clinical testing. Allele origin: germline.
Comment: The PLXNA4 c.2523G>C variant is predicted to result in the amino acid substitution p.Gln841His. To our knowledge, this variant has not been reported in the literature or in a large population database (gnomAD), indicating this variant is rare. At this time, the clinical significance of this variant is uncertain due to the absence of conclusive functional and genetic evidence.

NM_020911.2(PLXNA4):c.2523G>C (p.Gln841His)

Gene: PLXNA4 (plexin A4; minus strand). Cytogenetic location: 7q32.3.
Variant type: single nucleotide variant.
Coding change: c.2523G>C on transcript NM_020911.2 (MANE Select); coding-DNA position 2523, G replaced by C.
Protein change: p.Gln841His; replaces glutamine 841 with histidine.
Molecular consequence: missense variant.
Genome position (GRCh38, 1-based): chr7:132,202,709, C>G on the plus strand (G>C on the coding strand, the complement: PLXNA4 is on the minus strand). VCF-style: chr7-132202709-C-G. GRCh37 (hg19) VCF-style: chr7-131887468-C-G.
Other names: c.2523G>C, p.Gln841His (NM_001393897.1); short protein forms Q841H.
Identifiers: ClinVar variation 4997522 (VCV004997522.1).